The following is an entry in ClinVar:

ClinVar aggregate classification (germline): Uncertain significance. Review status: criteria provided, multiple submitters, no conflicts (2 of 4 stars). 3 submissions from 3 submitters: Uncertain significance (3). Last evaluated 2024-11-19.

Conditions:
Charcot-Marie-Tooth disease axonal type 2O. Also called: CHARCOT-MARIE-TOOTH NEUROPATHY, AXONAL, TYPE 2O; CHARCOT-MARIE-TOOTH DISEASE, AXONAL, AUTOSOMAL DOMINANT, TYPE 2O; Charcot-Marie-Tooth disease, axonal, type 20; Charcot-Marie-Tooth Neuropathy Type 2O. Identifiers: Orphanet 284232, MedGen C3280220, MONDO:0013644, OMIM 614228.

Allele frequency attached by ClinVar (database versions not stated): gnomAD exomes below 0.00001.
gnomAD v4.1: 4 of 1,614,186 alleles (0.00025%); highest among the groups gnomAD compares: Non-Finnish European, 0.00034%; no homozygotes.

Submissions (3):

Labcorp Genetics (formerly Invitae), Labcorp
Classification: Uncertain significance for Charcot-Marie-Tooth disease axonal type 2O. Last evaluated: 2024-11-19. Review status: criteria provided, single submitter. Criteria: Invitae Variant Classification Sherloc (09022015). Collection method: clinical testing. Allele origin: germline.
Comment: This sequence change replaces arginine, which is basic and polar, with glutamine, which is neutral and polar, at codon 1178 of the DYNC1H1 protein (p.Arg1178Gln). This variant is present in population databases (no rsID available, gnomAD 0.0009%). This variant has not been reported in the literature in individuals affected with DYNC1H1-related conditions. ClinVar contains an entry for this variant (Variation ID: 392295). Invitae Evidence Modeling of protein sequence and biophysical properties (such as structural, functional, and spatial information, amino acid conservation, physicochemical variation, residue mobility, and thermodynamic stability) indicates that this missense variant is expected to disrupt DYNC1H1 protein function with a positive predictive value of 95%. In summary, the available evidence is currently insufficient to determine the role of this variant in disease. Therefore, it has been classified as a Variant of Uncertain Significance.

CeGaT Center for Human Genetics Tuebingen
Classification: Uncertain significance. Last evaluated: 2022-07-01. Review status: criteria provided, single submitter. Criteria: CeGaT Center For Human Genetics Tuebingen Variant Classification Criteria Version 2. Collection method: clinical testing. Allele origin: germline. Affected: yes. Observed: 1 variant allele.
Comment: DYNC1H1: PM2, PP2, PP3

GeneDx
Classification: Uncertain significance. Last evaluated: 2016-12-28. Review status: criteria provided, single submitter. Criteria: GeneDx Variant Classification (06012015). Collection method: clinical testing. Allele origin: germline. Affected: yes.
Comment: The R1178Q variant in the DYNC1H1 gene has not been reported previously as a pathogenic variant, nor as a benign variant, to our knowledge. The R1178Q variant was not observed in approximately 6500 individuals of European and African American ancestry in the NHLBI Exome Sequencing Project, indicating it is not a common benign variant in these populations. The R1178Q variant is a semi-conservative amino acid substitution, which may impact secondary protein structure as these residues differ in some properties. This substitution occurs at a position that is conserved across species. In silico analysis predicts this variant is probably damaging to the protein structure/function. We interpret R1178Q as a variant of uncertain significance

NM_001376.5(DYNC1H1):c.3533G>A (p.Arg1178Gln)

Gene: DYNC1H1 (dynein cytoplasmic 1 heavy chain 1; plus strand). Cytogenetic location: 14q32.31.
Variant type: single nucleotide variant.
Coding change: c.3533G>A on transcript NM_001376.5 (MANE Select); coding-DNA position 3533, G replaced by A.
Protein change: p.Arg1178Gln; replaces arginine 1178 with glutamine.
Molecular consequence: missense variant.
Genome position (GRCh38, 1-based): chr14:101,995,269, G>A. VCF-style: chr14-101995269-G-A. GRCh37 (hg19) VCF-style: chr14-102461606-G-A.
Other names: short protein forms R1178Q.
Identifiers: ClinVar variation 392295 (VCV000392295.28), dbSNP rs1057524432, ClinGen allele CA16606481.